The following is an entry in ClinVar:

ClinVar aggregate classification (germline): Benign/Likely benign. Review status: criteria provided, multiple submitters, no conflicts (2 of 4 stars). 8 submissions from 7 submitters: Benign (2); Likely benign (3). 3 of the submissions do not count toward it. Last evaluated 2026-02-04.

Conditions:
EGLN1-related disorder. Also called: EGLN1-related condition.
Erythrocytosis, familial, 3 (ECYT3). Identifiers: Orphanet 247511, MedGen C1853286, MONDO:0012353, OMIM 609820.
Gastric cancer. Also called: Malignant tumor of stomach; Stomach cancer. Identifiers: MedGen C0024623, MeSH D013274, MONDO:0001056, OMIM 613659, HP:0012126.
Triple-negative breast cancer. Identifiers: MedGen C3539878.

Allele frequency attached by ClinVar (database versions not stated): gnomAD 0.00079 and 0.00142; gnomAD exomes 0.00144 and 0.00256; TOPMed 0.00181; ExAC 0.00329; 1000 Genomes Project 30x 0.00578; 1000 Genomes Project 0.00659.
gnomAD v4.1: 2,184 of 1,488,446 alleles (0.15%); highest among the groups gnomAD compares: East Asian, 4.3%; 63 homozygotes.

Submissions (8):

Labcorp Genetics (formerly Invitae), Labcorp
Classification: Benign for Erythrocytosis, familial, 3. Last evaluated: 2026-02-04. Review status: criteria provided, single submitter. Criteria: Invitae Variant Classification Sherloc (09022015). Collection method: clinical testing. Allele origin: germline.

Blueprint Genetics
Classification: Likely benign. Last evaluated: 2024-11-14. Review status: criteria provided, single submitter. Criteria: ACMG Guidelines, 2015. Collection method: clinical testing. Allele origin: germline.

ARUP Laboratories, Molecular Genetics and Genomics, ARUP Laboratories
Classification: Likely benign. Last evaluated: 2024-06-17. Review status: criteria provided, single submitter. Criteria: ARUP Molecular Germline Variant Investigation Process 2024. Collection method: clinical testing. Allele origin: germline.

Ambry Genetics
Classification: Benign. Last evaluated: 2020-07-27. Review status: criteria provided, single submitter. Criteria: Ambry Variant Classification Scheme 2023. Collection method: clinical testing. Allele origin: germline.

Illumina Laboratory Services, Illumina
Classification: Likely benign for Erythrocytosis, familial, 3. Last evaluated: 2017-04-27. Review status: criteria provided, single submitter. Criteria: ICSL Variant Classification Criteria 13 December 2019. Collection method: clinical testing. Allele origin: germline.
Comment: This variant was observed as part of a predisposition screen in an ostensibly healthy population. A literature search was performed for the gene, cDNA change, and amino acid change (where applicable). No publications were found based on this search. Allele frequency data from public databases allowed determination this variant is unlikely to cause disease. Therefore, this variant is classified as likely benign.

Hdge Lab, Department of Biotechnology, Mizoram University
Classification: protective for Gastric cancer. Last evaluated: 2026-03-26. Review status: no assertion criteria provided. Collection method: case-control. Allele origin: germline. Affected: yes. Observed: 13 variant alleles. Not counted in ClinVar's aggregate classification.
Comment: Variant identified in a case-control study evaluating cancer susceptibility in the Mizo population. T. Reduced odds ratios were observed for gastric cancer (OR=0.671, 95% CI=0.24–1.880), suggesting a potential protective effect. These findings may reflect a potential link between hypoxia-adaptive genetic variation and cancer susceptibility in this population.

Hdge Lab, Department of Biotechnology, Mizoram University
Classification: protective for Triple-negative breast cancer. Last evaluated: 2026-03-26. Review status: no assertion criteria provided. Collection method: case-control. Allele origin: germline. Affected: yes. Observed: 4 variant alleles. Not counted in ClinVar's aggregate classification.
Comment: Variant identified in a case-control study evaluating cancer susceptibility in the Mizo population. The EGLN1 Tibetan allele was observed at a frequency of 29.62% in healthy controls, with a higher prevalence in healthy women (50%). Reduced odds ratios were observed for TNBC (OR=0.364, 95% CI=0.073–1.818), suggesting a potential protective effect. These findings may reflect a potential link between hypoxia-adaptive genetic variation and cancer susceptibility in this population.

PreventionGenetics, part of Exact Sciences
Classification: Benign for EGLN1-related condition. Last evaluated: 2023-08-03. Review status: no assertion criteria provided. Collection method: clinical testing. Allele origin: germline. Not counted in ClinVar's aggregate classification.
Comment: This variant is classified as benign based on ACMG/AMP sequence variant interpretation guidelines (Richards et al. 2015 PMID: 25741868, with internal and published modifications).

NM_022051.3(EGLN1):c.12C>G (p.Asp4Glu)

Gene: EGLN1 (egl-9 family hypoxia inducible factor 1; minus strand). Cytogenetic location: 1q42.2.
Variant type: single nucleotide variant.
Coding change: c.12C>G on transcript NM_022051.3 (MANE Select); coding-DNA position 12, C replaced by G.
Protein change: p.Asp4Glu; replaces aspartic acid 4 with glutamic acid.
Molecular consequence: missense variant.
Genome position (GRCh38, 1-based): chr1:231,421,877, G>C on the plus strand (C>G on the coding strand, the complement: EGLN1 is on the minus strand). VCF-style: chr1-231421877-G-C. GRCh37 (hg19) VCF-style: chr1-231557623-G-C.
Other names: c.12C>G, p.Asp4Glu (NM_001377260.1, NM_001377261.1); short protein forms D4E.
Identifiers: ClinVar variation 225682 (VCV000225682.21), dbSNP rs186996510, ClinGen allele CA1453218.
Genomic context (GRCh38, chr1:231,421,877, plus strand): 5'-GCACAGCTCGCAGTACTGCCGGTCTCGCTCGCTCGGGCTCGGCCCGCCGGGCCCGCCGCT[G>C]TCATTGGCCATGGCGGCGGCGGCGGCGGCGACGGCGACTGCGGCGGCCGAGCAGGAGGGG-3'
Protein context (NP_071334.1, residues 1-14): MAN[Asp4Glu]SGGPGGPSPS